The following is an entry in ClinVar:

ClinVar aggregate classification (germline): Uncertain significance. Review status: criteria provided, multiple submitters, no conflicts (2 of 4 stars). 2 submissions from 2 submitters: Uncertain significance (2). Last evaluated 2025-01-16.

Conditions:
Acromesomelic dysplasia 1, Maroteaux type (AMD1). Also called: ST. HELENA DYSPLASIA; ACROMESOMELIC DYSPLASIA 1. Identifiers: Orphanet 40, MedGen C1864356, MONDO:0011275, OMIM 602875.
Tall stature-scoliosis-macrodactyly of the great toes syndrome. Also called: Epiphyseal chondrodysplasia, miura type. Identifiers: Orphanet 329191, MedGen C4014690, MONDO:0014401, OMIM 615923.

Submissions (2):

GeneDx
Classification: Uncertain significance. Last evaluated: 2025-01-16. Review status: criteria provided, single submitter. Criteria: GeneDx Variant Classification Process June 2021. Collection method: clinical testing. Allele origin: germline. Affected: yes.
Comment: Not observed at significant frequency in large population cohorts (gnomAD); In silico analysis indicates that this missense variant does not alter protein structure/function; This variant is associated with the following publications: (PMID: 30016695, 25703509)

Labcorp Genetics (formerly Invitae), Labcorp
Classification: Uncertain significance for Tall stature-scoliosis-macrodactyly of the great toes syndrome; Acromesomelic dysplasia 1, Maroteaux type. Last evaluated: 2024-10-23. Review status: criteria provided, single submitter. Criteria: Invitae Variant Classification Sherloc (09022015). Collection method: clinical testing. Allele origin: germline.
Comment: This sequence change replaces alanine, which is neutral and non-polar, with serine, which is neutral and polar, at codon 48 of the NPR2 protein (p.Ala48Ser). This variant is present in population databases (no rsID available, gnomAD 0.0009%). This missense change has been observed in individual(s) with autosomal dominant short stature (PMID: 25703509). Invitae Evidence Modeling of protein sequence and biophysical properties (such as structural, functional, and spatial information, amino acid conservation, physicochemical variation, residue mobility, and thermodynamic stability) indicates that this missense variant is not expected to disrupt NPR2 protein function with a negative predictive value of 80%. Experimental studies have shown that this missense change affects NPR2 function (PMID: 25703509). In summary, the available evidence is currently insufficient to determine the role of this variant in disease. Therefore, it has been classified as a Variant of Uncertain Significance.

Literature cited by the submitters: PubMed 25703509 (cited by Labcorp Genetics (formerly Invitae), Labcorp).

NM_003995.4(NPR2):c.142G>T (p.Ala48Ser)

Gene: NPR2 (natriuretic peptide receptor 2; plus strand). Cytogenetic location: 9p13.3.
Variant type: single nucleotide variant.
Coding change: c.142G>T on transcript NM_003995.4 (MANE Select); coding-DNA position 142, G replaced by T.
Protein change: p.Ala48Ser; replaces alanine 48 with serine.
Molecular consequence: missense variant.
Genome position (GRCh38, 1-based): chr9:35,792,550, G>T. VCF-style: chr9-35792550-G-T. GRCh37 (hg19) VCF-style: chr9-35792547-G-T.
Other names: c.142G>T (NM_003995.3); c.142G>T, p.Ala48Ser (NM_001378923.1); short protein forms A48S.
Identifiers: ClinVar variation 3759141 (VCV003759141.3).